The following is an entry in ClinVar:

ClinVar aggregate classification (germline): Likely benign (1 of 4 stars; one submission).

gnomAD v4.1: 2,202 of 1,027,258 alleles (0.21%); highest among the groups gnomAD compares: Non-Finnish European, 0.23%; 11 homozygotes.

Submission:

CeGaT Center for Human Genetics Tuebingen
Classification: Likely benign. Last evaluated: 2026-05-01. Review status: criteria provided, single submitter. Criteria: CeGaT Center For Human Genetics Tuebingen Variant Classification Criteria Version 2. Collection method: clinical testing. Allele origin: germline. Affected: yes. Observed: 1 variant allele.
Comment: IRX1: BP4, BP7

NM_024337.4(IRX1):c.72C>A (p.Arg24=)

Gene: IRX1 (iroquois homeobox 1; plus strand). Cytogenetic location: 5p15.33.
Variant type: single nucleotide variant.
Coding change: c.72C>A on transcript NM_024337.4 (MANE Select); coding-DNA position 72, C replaced by A.
Protein change: p.Arg24=; no amino-acid change (arginine 24 retained).
Molecular consequence: synonymous variant.
Genome position (GRCh38, 1-based): chr5:3,596,177, C>A. VCF-style: chr5-3596177-C-A. GRCh37 (hg19) VCF-style: chr5-3596291-C-A.
Identifiers: ClinVar variation 4872376 (VCV004872376.2).